The following is an entry in ClinVar:

NM_006361.6(HOXB13):c.109C>T (p.Pro37Ser)

Gene: HOXB13 (homeobox B13; minus strand). Cytogenetic location: 17q21.32.
Variant type: single nucleotide variant.
Coding change: c.109C>T on transcript NM_006361.6 (MANE Select); coding-DNA position 109, C replaced by T.
Protein change: p.Pro37Ser; replaces proline 37 with serine.
Molecular consequence: missense variant.
Genome position (GRCh38, 1-based): chr17:48,728,485, G>A on the plus strand (C>T on the coding strand, the complement: HOXB13 is on the minus strand). VCF-style: chr17-48728485-G-A. GRCh37 (hg19) VCF-style: chr17-46805847-G-A.
Other names: short protein forms P37S.
Identifiers: ClinVar variation 822165 (VCV000822165.10), dbSNP rs1597935093, ClinGen allele CA400109298.

ClinVar aggregate classification (germline): Uncertain significance. Review status: criteria provided, multiple submitters, no conflicts (2 of 4 stars). 2 submissions from 2 submitters: Uncertain significance (2). Last evaluated 2025-10-09.

Conditions:
Hereditary cancer-predisposing syndrome. Also called: Tumor predisposition; Hereditary Cancer Syndrome; Neoplastic Syndromes, Hereditary; Hereditary neoplastic syndrome. Identifiers: Orphanet 140162, MedGen C0027672, MeSH D009386, MONDO:0015356.

Submissions (2):

Labcorp Genetics (formerly Invitae), Labcorp
Classification: Uncertain significance. Last evaluated: 2025-10-09. Review status: criteria provided, single submitter. Criteria: Invitae Variant Classification Sherloc (09022015). Collection method: clinical testing. Allele origin: germline.
Comment: This sequence change replaces proline, which is neutral and non-polar, with serine, which is neutral and polar, at codon 37 of the HOXB13 protein (p.Pro37Ser). This variant is not present in population databases (gnomAD no frequency). This variant has not been reported in the literature in individuals affected with HOXB13-related conditions. ClinVar contains an entry for this variant (Variation ID: 822165). An algorithm developed to predict the effect of missense changes on protein structure and function outputs the following: PolyPhen-2: "Benign". The serine amino acid residue is found in multiple mammalian species, which suggests that this missense change does not adversely affect protein function. In summary, the available evidence is currently insufficient to determine the role of this variant in disease. Therefore, it has been classified as a Variant of Uncertain Significance.

Ambry Genetics
Classification: Uncertain significance for Hereditary cancer-predisposing syndrome. Last evaluated: 2025-07-02. Review status: criteria provided, single submitter. Criteria: Ambry Variant Classification Scheme 2023. Collection method: clinical testing. Allele origin: germline.
Comment: The p.P37S variant (also known as c.109C>T), located in coding exon 1 of the HOXB13 gene, results from a C to T substitution at nucleotide position 109. The proline at codon 37 is replaced by serine, an amino acid with similar properties. This amino acid position is not well conserved in available vertebrate species. In addition, this alteration is predicted to be tolerated by in silico analysis. Based on the available evidence, the clinical significance of this variant remains unclear.